The following is an entry in ClinVar:

NM_001243133.2(NLRP3):c.763_764del (p.Phe255fs)

Gene: NLRP3 (NLR family pyrin domain containing 3; plus strand). Cytogenetic location: 1q44.
Variant type: Deletion.
Coding change: c.763_764del on transcript NM_001243133.2 (MANE Select); coding-DNA positions 763 to 764, 2 bases deleted (TT; older notation c.763_764delTT).
Protein change: p.Phe255fs; shifts the reading frame from phenylalanine 255.
Molecular consequence: frameshift variant.
Genome position (GRCh38, 1-based): chr1:247,424,212-247,424,213, TT deleted. VCF-style (leftmost placement, unchanged base first): chr1-247424211-GTT-G. GRCh37 (hg19) VCF-style: chr1-247587513-GTT-G.
Other names: c.763_764del, p.Phe255fs (NM_001079821.3, NM_001127461.3, NM_001127462.3 and 1 more transcripts); c.769_770del, p.Phe257fs (NM_004895.5); c.769_770delTT (NM_004895.4); short protein forms F255fs, F257fs.
Identifiers: ClinVar variation 651356 (VCV000651356.6), dbSNP rs1572168726, ClinGen allele CA915942121.

ClinVar aggregate classification (germline): Uncertain significance (1 of 4 stars; one submission).

Conditions:
Cryopyrin associated periodic syndrome (CAPS). Identifiers: Orphanet 208650, MedGen C2316212, MONDO:0016168.

Submission:

Labcorp Genetics (formerly Invitae), Labcorp
Classification: Uncertain significance for Cryopyrin associated periodic syndrome. Last evaluated: 2018-11-09. Review status: criteria provided, single submitter. Criteria: Invitae Variant Classification Sherloc (09022015). Collection method: clinical testing. Allele origin: germline.
Comment: In summary, the available evidence is currently insufficient to determine the role of this variant in disease. Therefore, it has been classified as a Variant of Uncertain Significance. The current clinical and genetic evidence is not sufficient to establish whether loss-of-function variants in NLRP3 cause disease. This variant has not been reported in the literature in individuals with NLRP3-related disease. This variant is not present in population databases (ExAC no frequency). This sequence change creates a premature translational stop signal (p.Phe257Leufs*49) in the NLRP3 gene. It is expected to result in an absent or disrupted protein product.